The following is an entry in ClinVar:

ClinVar aggregate classification (germline): Pathogenic (1 of 4 stars; one submission).

Conditions:
Deafness dystonia syndrome (MTS). Also called: OPTICOACOUSTIC NERVE ATROPHY WITH DEMENTIA; Deafness-Dystonia-Optic Neuronopathy Syndrome; Opticoacustic nerve atrophy with dementia; Nerve deafness optic nerve atrophy, and dementia; Syndrome of opticoacoustic nerve atrophy with dementia; DYSTONIA-DEAFNESS SYNDROME, X-LINKED. Identifiers: Orphanet 52368, MedGen C0796074, MONDO:0010578, OMIM 304700.

Submission:

Department of Human Genetics, University Hospital Bern, Inselspital
Classification: Pathogenic for Deafness dystonia syndrome. Last evaluated: 2026-01-22. Review status: criteria provided, single submitter. Criteria: ACMG Guidelines, 2015. Collection method: clinical testing. Allele origin: unknown. Inheritance: X-linked inheritance. Affected: yes. Observed: 1 hemizygote.
Comment: Pathogenic variants in the TIMM8A gene are associated with deafness-dystonia-optic neuropathy syndrome (DDON, Mohr-Tranebjaerg syndrome) and follow an X-linked inheritance pattern. (Deafness-Dystonia-Optic Neuronopathy Syndrome, GeneReviews 2019; OMIM 300356). In men, DDON syndrome is primarily characterized by pre- or postlingual sensorineural hearing loss, slowly progressive dystonia or ataxia, and a gradual decline in visual acuity due to optic atrophy. The timing of the onset of individual symptoms and their expressivity can be highly variable. Women are often asymptomatic or show mild symptoms in older age, such as slight sensorineural hearing impairment or cramps in the hands (Deafness-Dystonia-Optic Neuronopathy Syndrome, GeneReviews 2019, PMID: 22736418, 37325222, 40597358, etc.). The majority of pathogenic variants in the TIMM8A gene described to date are truncating variants (ClinVar, HGMD Professional, PMID: 22736418). The reported nonsense variant is classified as pathogenic according to ACMG criteria. It leads to a premature stop codon and, as a result, very likely to the degradation of the corresponding mRNA (nonsense-mediated mRNA decay). The variant is not listed in the gnomAD v4.1 population database and, to our knowledge, has never been described in connection with a genetic disease.

Literature cited by the submitters: PubMed 22736418; PubMed 37325222; PubMed 40597358.

NM_004085.4(TIMM8A):c.58C>T (p.Gln20Ter)

Gene: TIMM8A (translocase of inner mitochondrial membrane 8A; minus strand). Cytogenetic location: Xq22.1.
Variant type: single nucleotide variant.
Coding change: c.58C>T on transcript NM_004085.4 (MANE Select); coding-DNA position 58, C replaced by T.
Protein change: p.Gln20Ter; replaces glutamine 20 with a stop codon.
Molecular consequence: nonsense.
Genome position (GRCh38, 1-based): chrX:101,348,607, G>A on the plus strand (C>T on the coding strand, the complement: TIMM8A is on the minus strand). VCF-style: chrX-101348607-G-A. GRCh37 (hg19) VCF-style: chrX-100603595-G-A.
Other names: c.58C>T, p.Gln20Ter (NM_001145951.2); short protein forms Q20*.
Identifiers: ClinVar variation 4686644 (VCV004686644.1).
Genomic context (GRCh38, chrX:101,348,607, plus strand): 5'-TCATCTGGTGCACCAGCTGCTGGAAGCGCTGCTTTTGAGTCTCTACCTCGATGAAATGCT[G>A]CAACTGCGGGTCCACTGCACCCAAACCCGCCGCGGAGGAAGAGGAGGAGGAATCCATCCC-3'